The following is an entry in ClinVar:

ClinVar aggregate classification (germline): Uncertain significance (1 of 4 stars; one submission).

Submission:

Labcorp Genetics (formerly Invitae), Labcorp
Classification: Uncertain significance. Last evaluated: 2020-01-11. Review status: criteria provided, single submitter. Criteria: Invitae Variant Classification Sherloc (09022015). Collection method: clinical testing. Allele origin: germline.
Comment: In summary, the available evidence is currently insufficient to determine the role of this variant in disease. Therefore, it has been classified as a Variant of Uncertain Significance. Nucleotide substitutions within the consensus splice site are a relatively common cause of aberrant splicing (PMID: 17576681, 9536098). Algorithms developed to predict the effect of sequence changes on RNA splicing suggest that this variant may disrupt the consensus splice site, but this prediction has not been confirmed by published transcriptional studies. This variant has not been reported in the literature in individuals with CTNNA1-related conditions. This variant is not present in population databases (ExAC no frequency). This sequence change falls in intron 17 of the CTNNA1 gene. It does not directly change the encoded amino acid sequence of the CTNNA1 protein, but it affects a nucleotide within the consensus splice site of the intron.

Literature cited by the submitters: PubMed 17576681; PubMed 9536098.

NM_001903.5(CTNNA1):c.2433+1G>A

Gene: CTNNA1 (catenin alpha 1; plus strand). Cytogenetic location: 5q31.2.
Variant type: single nucleotide variant.
Coding change: c.2433+1G>A on transcript NM_001903.5 (MANE Select); the canonical splice donor site of the intron after coding-DNA position 2433, G replaced by A.
Molecular consequence: splice donor variant. On other transcripts: intron variant (1).
Genome position (GRCh38, 1-based): chr5:138,932,713, G>A. VCF-style: chr5-138932713-G-A. GRCh37 (hg19) VCF-style: chr5-138268402-G-A.
Other names: c.2433+1G>A (NM_001323982.2, NM_001323984.2, NM_001290307.3 and 2 more transcripts); c.2340+1G>A (NM_001323986.2); c.2064+1G>A (NM_001290310.3); c.2124+1G>A (NM_001290309.3); c.1323+1G>A (NM_001323996.1, NM_001323993.1, NM_001324005.1 and 16 more transcripts); c.984+1G>A (NM_001324007.1, NM_001324009.1, NM_001324006.1 and 2 more transcripts); c.1080+1G>A (NM_001324013.1, NM_001324012.1); c.1189-1089G>A (NM_001324001.1); and 1 more.
Identifiers: ClinVar variation 957161 (VCV000957161.10), dbSNP rs1765631929, ClinGen allele CA361134575.